The following is an entry in ClinVar:

ClinVar aggregate classification (germline): Pathogenic (1 of 4 stars; one submission).

Conditions:
Multiple endocrine neoplasia, type 1 (MEN1). Also called: MEN I; WERMER SYNDROME; Endocrine adenomatosis multiple; MEN 1; MEA I. Identifiers: Orphanet 652, MedGen C0025267, MeSH D018761, MONDO:0007540, OMIM 131100.

Submission:

Labcorp Genetics (formerly Invitae), Labcorp
Classification: Pathogenic for Multiple endocrine neoplasia, type 1. Last evaluated: 2026-01-11. Review status: criteria provided, single submitter. Criteria: Invitae Variant Classification Sherloc (09022015). Collection method: clinical testing. Allele origin: germline.
Comment: This sequence change creates a premature translational stop signal (p.Ala160Glyfs*20) in the MEN1 gene. It is expected to result in an absent or disrupted protein product. Loss-of-function variants in MEN1 are known to be pathogenic (PMID: 12112656, 17853334). This variant is not present in population databases (gnomAD no frequency). This variant has not been reported in the literature in individuals affected with MEN1-related conditions. For these reasons, this variant has been classified as Pathogenic.

Literature cited by the submitters: PubMed 12112656; PubMed 17853334.

NM_001370259.2(MEN1):c.478dup (p.Ala160fs)

Gene: MEN1 (menin 1; minus strand). Cytogenetic location: 11q13.1.
Variant type: Duplication.
Coding change: c.478dup on transcript NM_001370259.2 (MANE Select); coding-DNA position 478, one base duplicated (G; older notation c.478dupG).
Protein change: p.Ala160fs; shifts the reading frame from alanine 160.
Molecular consequence: frameshift variant. On other transcripts: non-coding transcript variant (4).
Genome position (GRCh38, 1-based): chr11:64,808,067, C duplicated on the plus strand (G on the coding strand, the reverse complement: MEN1 is on the minus strand). VCF-style (leftmost placement, unchanged base first): chr11-64808066-G-GC. GRCh37 (hg19) VCF-style: chr11-64575538-G-GC.
Other names: c.493dup, p.Ala165fs (NM_130803.3, NM_130804.3, NM_000244.4 and 5 more transcripts); c.478dup, p.Ala160fs (NM_001370251.2, NM_001370260.2, NM_001370261.2 and 12 more transcripts); short protein forms A165fs, A160fs.
Identifiers: ClinVar variation 4735124 (VCV004735124.1).